The following is an entry in ClinVar:

NM_003054.6(SLC18A2):c.886A>T (p.Ile296Phe)

Gene: SLC18A2 (solute carrier family 18 member A2; plus strand). Cytogenetic location: 10q25.3.
Variant type: single nucleotide variant.
Coding change: c.886A>T on transcript NM_003054.6 (MANE Select); coding-DNA position 886, A replaced by T.
Protein change: p.Ile296Phe; replaces isoleucine 296 with phenylalanine.
Molecular consequence: missense variant.
Genome position (GRCh38, 1-based): chr10:117,255,648, A>T. VCF-style: chr10-117255648-A-T. GRCh37 (hg19) VCF-style: chr10-119015159-A-T.
Other names: short protein forms I296F.
Identifiers: ClinVar variation 1382897 (VCV001382897.6), dbSNP rs772870790, ClinGen allele CA378512666.

ClinVar aggregate classification (germline): Uncertain significance (1 of 4 stars; one submission).

Submission:

Labcorp Genetics (formerly Invitae), Labcorp
Classification: Uncertain significance. Last evaluated: 2022-03-22. Review status: criteria provided, single submitter. Criteria: Invitae Variant Classification Sherloc (09022015). Collection method: clinical testing. Allele origin: germline.
Comment: Algorithms developed to predict the effect of missense changes on protein structure and function are either unavailable or do not agree on the potential impact of this missense change (SIFT: "Deleterious"; PolyPhen-2: "Benign"; Align-GVGD: "Class C0"). In summary, the available evidence is currently insufficient to determine the role of this variant in disease. Therefore, it has been classified as a Variant of Uncertain Significance. This sequence change replaces isoleucine, which is neutral and non-polar, with phenylalanine, which is neutral and non-polar, at codon 296 of the SLC18A2 protein (p.Ile296Phe). This variant is not present in population databases (gnomAD no frequency). This variant has not been reported in the literature in individuals affected with SLC18A2-related conditions.